The following is an entry in ClinVar:

ClinVar aggregate classification (germline): Likely benign. Review status: criteria provided, multiple submitters, no conflicts (2 of 4 stars). 4 submissions from 4 submitters: Likely benign (3). 1 of the submissions does not count toward it. Last evaluated 2026-02-02.

Conditions:
UNC80-related disorder. Also called: UNC80-related condition.

Allele frequency attached by ClinVar (database versions not stated): 1000 Genomes Project 30x 0.00016; TOPMed 0.00021; gnomAD 0.00022 and 0.00024; gnomAD exomes 0.00027 and 0.00036; ExAC 0.00032; ESP Exome Variant Server 0.00044.
gnomAD v4.1: 545 of 1,539,876 alleles (0.035%); highest among the groups gnomAD compares: South Asian, 0.045%; 1 homozygote.

Submissions (4):

Labcorp Genetics (formerly Invitae), Labcorp
Classification: Likely benign. Last evaluated: 2026-02-02. Review status: criteria provided, single submitter. Criteria: Invitae Variant Classification Sherloc (09022015). Collection method: clinical testing. Allele origin: germline.

Blueprint Genetics
Classification: Likely benign. Last evaluated: 2024-10-23. Review status: criteria provided, single submitter. Criteria: ACMG Guidelines, 2015. Collection method: clinical testing. Allele origin: germline.

CeGaT Center for Human Genetics Tuebingen
Classification: Likely benign. Last evaluated: 2023-06-01. Review status: criteria provided, single submitter. Criteria: CeGaT Center For Human Genetics Tuebingen Variant Classification Criteria Version 2. Collection method: clinical testing. Allele origin: germline. Affected: yes. Observed: 1 variant allele.
Comment: UNC80: BP4, BP7

PreventionGenetics, part of Exact Sciences
Classification: Likely benign for UNC80-related condition. Last evaluated: 2023-03-20. Review status: no assertion criteria provided. Collection method: clinical testing. Allele origin: germline. Not counted in ClinVar's aggregate classification.
Comment: This variant is classified as likely benign based on ACMG/AMP sequence variant interpretation guidelines (Richards et al. 2015 PMID: 25741868, with internal and published modifications).

NM_001371986.1(UNC80):c.6702G>A (p.Leu2234=)

Gene: UNC80 (unc-80 subunit of NALCN channel complex; plus strand). Cytogenetic location: 2q34.
Variant type: single nucleotide variant.
Coding change: c.6702G>A on transcript NM_001371986.1 (MANE Select); coding-DNA position 6702, G replaced by A.
Protein change: p.Leu2234=; no amino-acid change (leucine 2234 retained).
Molecular consequence: synonymous variant.
Genome position (GRCh38, 1-based): chr2:209,941,276, G>A. VCF-style: chr2-209941276-G-A. GRCh37 (hg19) VCF-style: chr2-210806000-G-A.
Other names: c.6504G>A, p.Leu2168= (NM_032504.2); c.6489G>A, p.Leu2163= (NM_182587.4).
Identifiers: ClinVar variation 724488 (VCV000724488.34), dbSNP rs139008923, ClinGen allele CA2083403.
Genomic context (GRCh38, chr2:209,941,276, plus strand): 5'-CACAGCTGGAAAGGAACTGTTTGGCCTCGACACTCTTCAGAAAAGCTTGTGGATCCAGCT[G>A]CTGGAGGAAATGTTCCTGGGCATGCCGAGCGAGTTTCCATGGGGAGACGAAATCATGCTT-3'
Protein context (NP_001358915.1, residues 2224-2244): DTLQKSLWIQ[Leu2234=]LEEMFLGMPS